The following is an entry in ClinVar:

NM_170606.3(KMT2C):c.5004C>A (p.Phe1668Leu)

Gene: KMT2C (lysine methyltransferase 2C; minus strand). Cytogenetic location: 7q36.1.
Variant type: single nucleotide variant.
Coding change: c.5004C>A on transcript NM_170606.3 (MANE Select); coding-DNA position 5004, C replaced by A.
Protein change: p.Phe1668Leu; replaces phenylalanine 1668 with leucine.
Molecular consequence: missense variant.
Genome position (GRCh38, 1-based): chr7:152,187,266, G>T on the plus strand (C>A on the coding strand, the complement: KMT2C is on the minus strand). VCF-style: chr7-152187266-G-T. GRCh37 (hg19) VCF-style: chr7-151884351-G-T.
Other names: short protein forms F1668L.
Identifiers: ClinVar variation 3685301 (VCV003685301.2).

ClinVar aggregate classification (germline): Uncertain significance (1 of 4 stars; one submission).

gnomAD v4.1: 3 of 1,611,660 alleles (0.00019%); highest among the groups gnomAD compares: Non-Finnish European, 0.00025%; no homozygotes.

Submission:

Labcorp Genetics (formerly Invitae), Labcorp
Classification: Uncertain significance. Last evaluated: 2024-06-16. Review status: criteria provided, single submitter. Criteria: Invitae Variant Classification Sherloc (09022015). Collection method: clinical testing. Allele origin: germline.
Comment: This sequence change replaces phenylalanine, which is neutral and non-polar, with leucine, which is neutral and non-polar, at codon 1668 of the KMT2C protein (p.Phe1668Leu). This variant is not present in population databases (gnomAD no frequency). This variant has not been reported in the literature in individuals affected with KMT2C-related conditions. Advanced modeling of protein sequence and biophysical properties (such as structural, functional, and spatial information, amino acid conservation, physicochemical variation, residue mobility, and thermodynamic stability) performed at Invitae indicates that this missense variant is not expected to disrupt KMT2C protein function with a negative predictive value of 80%. In summary, the available evidence is currently insufficient to determine the role of this variant in disease. Therefore, it has been classified as a Variant of Uncertain Significance.